The following is an entry in ClinVar:

NM_016356.5(DCDC2):c.89C>T (p.Ala30Val)

Genes: DCDC2 (doublecortin domain containing 2; minus strand), KAAG1 (kidney associated DCDC2 antisense RNA 1; plus strand). Cytogenetic location: 6p22.3.
Variant type: single nucleotide variant.
Coding change: c.89C>T on transcript NM_016356.5 (MANE Select); coding-DNA position 89, C replaced by T.
Protein change: p.Ala30Val; replaces alanine 30 with valine.
Molecular consequence: missense variant. On other transcripts: non-coding transcript variant (1).
Genome position (GRCh38, 1-based): chr6:24,357,662, G>A on the plus strand (C>T on the coding strand, the complement: DCDC2 is on the minus strand). VCF-style: chr6-24357662-G-A. GRCh37 (hg19) VCF-style: chr6-24357890-G-A.
Other names: c.89C>T, p.Ala30Val (NM_001195610.2); short protein forms A30V.
Identifiers: ClinVar variation 3361674 (VCV003361674.1).

ClinVar aggregate classification (germline): Uncertain significance (1 of 4 stars; one submission).

gnomAD v4.1: 7 of 1,613,304 alleles (0.00043%); highest among the groups gnomAD compares: Admixed American, 0.0033%; no homozygotes.

Submission:

GeneDx
Classification: Uncertain significance. Last evaluated: 2023-07-27. Review status: criteria provided, single submitter. Criteria: GeneDx Variant Classification Process June 2021. Collection method: clinical testing. Allele origin: germline. Affected: yes.
Comment: Not observed at significant frequency in large population cohorts (gnomAD); In silico analysis supports that this missense variant has a deleterious effect on protein structure/function; Has not been previously published as pathogenic or benign to our knowledge